The following is an entry in ClinVar:

NM_145059.3(FCSK):c.1675C>T (p.Arg559Trp)

Gene: FCSK (fucose kinase; plus strand). Cytogenetic location: 16q22.1.
Variant type: single nucleotide variant.
Coding change: c.1675C>T on transcript NM_145059.3 (MANE Select); coding-DNA position 1675, C replaced by T.
Protein change: p.Arg559Trp; replaces arginine 559 with tryptophan.
Molecular consequence: missense variant.
Genome position (GRCh38, 1-based): chr16:70,473,251, C>T. VCF-style: chr16-70473251-C-T. GRCh37 (hg19) VCF-style: chr16-70507154-C-T.
Other names: c.1675C>T (NM_145059.2); short protein forms R559W.
Identifiers: ClinVar variation 2037481 (VCV002037481.5), dbSNP rs567507852, ClinGen allele CA8143404.
Genomic context (GRCh38, chr16:70,473,251, plus strand): 5'-CGGGCTGCCACGCTGGCCTCTCGCCGGGACCTGTTCTTCCGCCAGGCCCTGCATAAGGCG[C>T]GGCACGTGCTGGAGGCCCGGCAGGACCTCAGCCTGCGCCCGCTGATCTGGGCTGCTGTCC-3'
Protein context (NP_659496.2, residues 549-569): LFFRQALHKA[Arg559Trp]HVLEARQDLS

ClinVar aggregate classification (germline): Uncertain significance. Review status: criteria provided, multiple submitters, no conflicts (2 of 4 stars). 2 submissions from 2 submitters: Uncertain significance (2). Last evaluated 2025-12-17.

Allele frequency attached by ClinVar (database versions not stated): 1000 Genomes Project 0.00020; 1000 Genomes Project 30x 0.00031; ExAC 0.00033.
gnomAD v4.1: 336 of 1,533,126 alleles (0.022%); highest among the groups gnomAD compares: Admixed American, 0.069%; no homozygotes.

Submissions (2):

Labcorp Genetics (formerly Invitae), Labcorp
Classification: Uncertain significance. Last evaluated: 2025-12-17. Review status: criteria provided, single submitter. Criteria: Invitae Variant Classification Sherloc (09022015). Collection method: clinical testing. Allele origin: germline.
Comment: This sequence change replaces arginine, which is basic and polar, with tryptophan, which is neutral and slightly polar, at codon 559 of the FUK protein (p.Arg559Trp). This variant is present in population databases (rs567507852, gnomAD 0.2%), and has an allele count higher than expected for a pathogenic variant. This variant has not been reported in the literature in individuals affected with FUK-related conditions. ClinVar contains an entry for this variant (Variation ID: 2037481). An algorithm developed to predict the effect of missense changes on protein structure and function (PolyPhen-2) suggests that this variant is likely to be disruptive. In summary, the available evidence is currently insufficient to determine the role of this variant in disease. Therefore, it has been classified as a Variant of Uncertain Significance.

Ambry Genetics
Classification: Uncertain significance. Last evaluated: 2021-12-03. Review status: criteria provided, single submitter. Criteria: Ambry Variant Classification Scheme 2023. Collection method: clinical testing. Allele origin: germline.